The following is an entry in ClinVar:

NM_020442.6(VARS2):c.2578C>T (p.Leu860=)

Gene: VARS2 (valyl-tRNA synthetase 2, mitochondrial; plus strand). Cytogenetic location: 6p21.33.
Variant type: single nucleotide variant.
Coding change: c.2578C>T on transcript NM_020442.6 (MANE Select); coding-DNA position 2578, C replaced by T.
Protein change: p.Leu860=; no amino-acid change (leucine 860 retained).
Molecular consequence: synonymous variant.
Genome position (GRCh38, 1-based): chr6:30,924,465, C>T. VCF-style: chr6-30924465-C-T. GRCh37 (hg19) VCF-style: chr6-30892242-C-T.
Other names: p.Leu890=; c.2158C>T, p.Leu720= (NM_001167733.3); c.2668C>T, p.Leu890= (NM_001167734.2).
Identifiers: ClinVar variation 381461 (VCV000381461.11), dbSNP rs116118019, ClinGen allele CA3706309.

ClinVar aggregate classification (germline): Benign. Review status: criteria provided, multiple submitters, no conflicts (2 of 4 stars). 3 submissions from 3 submitters: Benign (3). Last evaluated 2026-01-26.

Allele frequency attached by ClinVar (database versions not stated): gnomAD exomes 0.00315; ExAC 0.00374; 1000 Genomes Project 0.01198; gnomAD 0.01274 and 0.01372; 1000 Genomes Project 30x 0.01280; TOPMed 0.01308; ESP Exome Variant Server 0.01388.
gnomAD v4.1: 3,701 of 1,612,348 alleles (0.23%); highest among the groups gnomAD compares: African/African-American, 4.3%; 90 homozygotes.

Submissions (3):

Labcorp Genetics (formerly Invitae), Labcorp
Classification: Benign. Last evaluated: 2026-01-26. Review status: criteria provided, single submitter. Criteria: Invitae Variant Classification Sherloc (09022015). Collection method: clinical testing. Allele origin: germline.

Mayo Clinic Laboratories, Mayo Clinic
Classification: Benign. Last evaluated: 2025-06-04. Review status: criteria provided, single submitter. Criteria: ACMG Guidelines, 2015. Collection method: clinical testing. Allele origin: germline. Observed: 17 variant alleles.
Comment: BS1, BS2, BP4, BP7

GeneDx
Classification: Benign. Last evaluated: 2016-03-15. Review status: criteria provided, single submitter. Criteria: GeneDx Variant Classification (06012015). Collection method: clinical testing. Allele origin: germline. Affected: yes.
Comment: This variant is considered likely benign or benign based on one or more of the following criteria: it is a conservative change, it occurs at a poorly conserved position in the protein, it is predicted to be benign by multiple in silico algorithms, and/or has population frequency not consistent with disease.